The following is an entry in ClinVar:

ClinVar aggregate classification (germline): Uncertain significance (1 of 4 stars; one submission).

Allele frequency attached by ClinVar (database versions not stated): gnomAD exomes below 0.00001; TOPMed below 0.00001.
gnomAD v4.1: 1 of 1,614,158 alleles (0.000062%); highest among the groups gnomAD compares: South Asian, 0.0011%; no homozygotes.

Submission:

Labcorp Genetics (formerly Invitae), Labcorp
Classification: Uncertain significance. Last evaluated: 2023-08-31. Review status: criteria provided, single submitter. Criteria: Invitae Variant Classification Sherloc (09022015). Collection method: clinical testing. Allele origin: germline.
Comment: An algorithm developed to predict the effect of missense changes on protein structure and function (PolyPhen-2) suggests that this variant is likely to be tolerated. In summary, the available evidence is currently insufficient to determine the role of this variant in disease. Therefore, it has been classified as a Variant of Uncertain Significance. This sequence change replaces alanine, which is neutral and non-polar, with aspartic acid, which is acidic and polar, at codon 98 of the MRAS protein (p.Ala98Asp). This variant is not present in population databases (gnomAD no frequency). This variant has not been reported in the literature in individuals affected with MRAS-related conditions.

NM_001085049.3(MRAS):c.293C>A (p.Ala98Asp)

Gene: MRAS (muscle RAS oncogene homolog; plus strand). Cytogenetic location: 3q22.3.
Variant type: single nucleotide variant.
Coding change: c.293C>A on transcript NM_001085049.3 (MANE Select); coding-DNA position 293, C replaced by A.
Protein change: p.Ala98Asp; replaces alanine 98 with aspartic acid.
Molecular consequence: missense variant.
Genome position (GRCh38, 1-based): chr3:138,397,423, C>A. VCF-style: chr3-138397423-C-A. GRCh37 (hg19) VCF-style: chr3-138116265-C-A.
Other names: c.293C>A, p.Ala98Asp (NM_001252090.2, NM_012219.4); c.65C>A, p.Ala22Asp (NM_001252091.1, NM_001252092.2, NM_001252093.2); short protein forms A22D, A98D.
Identifiers: ClinVar variation 2991993 (VCV002991993.3), dbSNP rs2055261626, ClinGen allele CA354672978.